The following is an entry in ClinVar:

ClinVar aggregate classification (germline): Uncertain significance (1 of 4 stars; one submission).

Submission:

Labcorp Genetics (formerly Invitae), Labcorp
Classification: Uncertain significance. Last evaluated: 2023-04-24. Review status: criteria provided, single submitter. Criteria: Invitae Variant Classification Sherloc (09022015). Collection method: clinical testing. Allele origin: germline.
Comment: This variant is not present in population databases (gnomAD no frequency). In summary, the available evidence is currently insufficient to determine the role of this variant in disease. Therefore, it has been classified as a Variant of Uncertain Significance. An algorithm developed to predict the effect of missense changes on protein structure and function (PolyPhen-2) suggests that this variant is likely to be disruptive. This variant has not been reported in the literature in individuals affected with IRF4-related conditions. This sequence change replaces tyrosine, which is neutral and polar, with histidine, which is basic and polar, at codon 125 of the IRF4 protein (p.Tyr125His).

NM_002460.4(IRF4):c.373T>C (p.Tyr125His)

Gene: IRF4 (interferon regulatory factor 4; plus strand). Cytogenetic location: 6p25.3.
Variant type: single nucleotide variant.
Coding change: c.373T>C on transcript NM_002460.4 (MANE Select); coding-DNA position 373, T replaced by C.
Protein change: p.Tyr125His; replaces tyrosine 125 with histidine.
Molecular consequence: missense variant. On other transcripts: non-coding transcript variant (1).
Genome position (GRCh38, 1-based): chr6:394,977, T>C. VCF-style: chr6-394977-T-C. GRCh37 (hg19) VCF-style: chr6-394977-T-C.
Other names: c.373T>C, p.Tyr125His (NM_001195286.2); short protein forms Y125H.
Identifiers: ClinVar variation 2858938 (VCV002858938.3), dbSNP rs2480811287, ClinGen allele CA362547079.